The following is an entry in ClinVar:

ClinVar aggregate classification (germline): Uncertain significance. Review status: criteria provided, multiple submitters, no conflicts (2 of 4 stars). 3 submissions from 3 submitters: Uncertain significance (3). Last evaluated 2024-12-19.

Conditions:
DICER1-related tumor predisposition. Also called: DICER1-related pleuropulmonary blastoma cancer predisposition syndrome; DICER1 syndrome. Identifiers: Orphanet 284343, MedGen C3839822, MONDO:0100216.
Hereditary cancer-predisposing syndrome. Also called: Hereditary Cancer Syndrome; Neoplastic Syndromes, Hereditary; Hereditary neoplastic syndrome; Tumor predisposition. Identifiers: Orphanet 140162, MedGen C0027672, MeSH D009386, MONDO:0015356.

Submissions (3):

Hereditary Cancer Group, L’Institut d'Investigació Biomèdica de Bellvitge
Classification: Uncertain significance for Hereditary cancer-predisposing syndrome. Last evaluated: 2024-12-19. Review status: criteria provided, single submitter. Criteria: Hatton et al. (Hum Mutat. 2023). Collection method: clinical testing. Allele origin: germline. Inheritance: Autosomal dominant inheritance. Affected: yes.
Comment: PM2_supporting, BP4

Labcorp Genetics (formerly Invitae), Labcorp
Classification: Uncertain significance for DICER1-related tumor predisposition. Last evaluated: 2024-11-06. Review status: criteria provided, single submitter. Criteria: Invitae Variant Classification Sherloc (09022015). Collection method: clinical testing. Allele origin: germline.
Comment: This sequence change replaces lysine, which is basic and polar, with arginine, which is basic and polar, at codon 427 of the DICER1 protein (p.Lys427Arg). This variant is not present in population databases (gnomAD no frequency). This variant has not been reported in the literature in individuals affected with DICER1-related conditions. ClinVar contains an entry for this variant (Variation ID: 818782). Invitae Evidence Modeling of protein sequence and biophysical properties (such as structural, functional, and spatial information, amino acid conservation, physicochemical variation, residue mobility, and thermodynamic stability) indicates that this missense variant is not expected to disrupt DICER1 protein function with a negative predictive value of 95%. In summary, the available evidence is currently insufficient to determine the role of this variant in disease. Therefore, it has been classified as a Variant of Uncertain Significance.

Ambry Genetics
Classification: Uncertain significance for Hereditary cancer-predisposing syndrome. Last evaluated: 2023-06-27. Review status: criteria provided, single submitter. Criteria: Ambry Variant Classification Scheme 2023. Collection method: clinical testing. Allele origin: germline.
Comment: The p.K427R variant (also known as c.1280A>G), located in coding exon 7 of the DICER1 gene, results from an A to G substitution at nucleotide position 1280. The lysine at codon 427 is replaced by arginine, an amino acid with highly similar properties. This amino acid position is highly conserved in available vertebrate species. In addition, this alteration is predicted to be tolerated by in silico analysis. Since supporting evidence is limited at this time, the clinical significance of this alteration remains unclear.

NM_177438.3(DICER1):c.1280A>G (p.Lys427Arg)

Gene: DICER1 (dicer 1, ribonuclease III; minus strand). Cytogenetic location: 14q32.13.
Variant type: single nucleotide variant.
Coding change: c.1280A>G on transcript NM_177438.3 (MANE Select); coding-DNA position 1280, A replaced by G.
Protein change: p.Lys427Arg; replaces lysine 427 with arginine.
Molecular consequence: missense variant.
Genome position (GRCh38, 1-based): chr14:95,124,292, T>C on the plus strand (A>G on the coding strand, the complement: DICER1 is on the minus strand). VCF-style: chr14-95124292-T-C. GRCh37 (hg19) VCF-style: chr14-95590629-T-C.
Other names: c.1280A>G, p.Lys427Arg (NM_001195573.1, NM_001271282.3, NM_001291628.2 and 1 more transcripts); short protein forms K427R.
Identifiers: ClinVar variation 818782 (VCV000818782.16), dbSNP rs1595438359, ClinGen allele CA390886340.